The following is an entry in ClinVar:

NM_004360.5(CDH1):c.1161C>G (p.Asn387Lys)

Gene: CDH1 (cadherin 1; plus strand). Cytogenetic location: 16q22.1.
Variant type: single nucleotide variant.
Coding change: c.1161C>G on transcript NM_004360.5 (MANE Select); coding-DNA position 1161, C replaced by G.
Protein change: p.Asn387Lys; replaces asparagine 387 with lysine.
Molecular consequence: missense variant. On other transcripts: intron variant (1), 5 prime UTR variant (2).
Genome position (GRCh38, 1-based): chr16:68,813,336, C>G. VCF-style: chr16-68813336-C-G. GRCh37 (hg19) VCF-style: chr16-68847239-C-G.
Other names: c.1137+1073C>G (NM_001317184.2); c.-455C>G (NM_001317185.2); c.-659C>G (NM_001317186.2); short protein forms N387K.
Identifiers: ClinVar variation 1800931 (VCV001800931.1), dbSNP rs111266450, ClinGen allele CA396461100.

ClinVar aggregate classification (germline): Uncertain significance (1 of 4 stars; one submission).

Submission:

GeneDx
Classification: Uncertain significance. Last evaluated: 2022-05-24. Review status: criteria provided, single submitter. Criteria: GeneDx Variant Classification Process June 2021. Collection method: clinical testing. Allele origin: germline. Affected: yes.
Comment: Not observed at significant frequency in large population cohorts (gnomAD); In silico analysis supports that this missense variant has a deleterious effect on protein structure/function; Has not been previously published as pathogenic or benign to our knowledge; This variant is associated with the following publications: (PMID: 15235021, 22850631)